The following is an entry in ClinVar:

NM_005356.5(LCK):c.481+2T>G

Gene: LCK (LCK proto-oncogene, Src family tyrosine kinase; plus strand). Cytogenetic location: 1p35.2.
Variant type: single nucleotide variant.
Coding change: c.481+2T>G on transcript NM_005356.5 (MANE Select); the canonical splice donor site of the intron after coding-DNA position 481, T replaced by G.
Molecular consequence: splice donor variant.
Genome position (GRCh38, 1-based): chr1:32,275,674, T>G. VCF-style: chr1-32275674-T-G. GRCh37 (hg19) VCF-style: chr1-32741275-T-G.
Other names: c.481+2T>G (NM_001330468.2, NM_001042771.3).
Identifiers: ClinVar variation 2068900 (VCV002068900.1), dbSNP rs1640240931, ClinGen allele CA339637431.

ClinVar aggregate classification (germline): Likely pathogenic (1 of 4 stars; one submission).

Conditions:
Severe combined immunodeficiency due to LCK deficiency. Also called: Immunodeficiency 22. Identifiers: Orphanet 280142, MedGen C4014233, MONDO:0014334, OMIM 615758.

Submission:

Labcorp Genetics (formerly Invitae), Labcorp
Classification: Likely pathogenic for Severe combined immunodeficiency due to LCK deficiency. Last evaluated: 2022-06-29. Review status: criteria provided, single submitter. Criteria: Invitae Variant Classification Sherloc (09022015). Collection method: clinical testing. Allele origin: germline.
Comment: This sequence change affects a donor splice site in intron 6 of the LCK gene. It is expected to disrupt RNA splicing. Variants that disrupt the donor or acceptor splice site typically lead to a loss of protein function (PMID: 16199547), and loss-of-function variants in LCK are known to be pathogenic (PMID: 22985903, 27087313). This variant is not present in population databases (gnomAD no frequency). This variant has not been reported in the literature in individuals affected with LCK-related conditions. Algorithms developed to predict the effect of sequence changes on RNA splicing suggest that this variant may disrupt the consensus splice site. In summary, the currently available evidence indicates that the variant is pathogenic, but additional data are needed to prove that conclusively. Therefore, this variant has been classified as Likely Pathogenic.

Literature cited by the submitters: PubMed 16199547; PubMed 22985903; PubMed 27087313.